The following is an entry in ClinVar:

ClinVar aggregate classification (germline): Conflicting classifications of pathogenicity. Review status: criteria provided, conflicting classifications (1 of 4 stars). 3 submissions from 3 submitters: Likely pathogenic (1); Uncertain significance (2). Last evaluated 2021-03-19.

Conditions:
Vitelliform macular dystrophy 2. Also called: VITELLIFORM MACULAR DYSTROPHY, EARLY-ONSET; VITELLIFORM MACULAR DYSTROPHY, JUVENILE-ONSET; Best vitelliform macular dystrophy, multifocal; Best Vitelliform Macular Dystrophy (BVMD); MACULAR DEGENERATION, POLYMORPHIC VITELLINE; Best Macular Dystrophy. Identifiers: Orphanet 1243, MedGen C2745945, MONDO:0007931, OMIM 153700.

Allele frequency attached by ClinVar (database versions not stated): gnomAD exomes below 0.00001.
gnomAD v4.1: 3 of 1,614,118 alleles (0.00019%); highest among the groups gnomAD compares: Non-Finnish European, 0.00025%; no homozygotes.

Submissions (3):

Revvity Omics, Revvity
Classification: Uncertain significance. Last evaluated: 2021-03-19. Review status: criteria provided, single submitter. Criteria: ACMG Guidelines, 2015. Collection method: clinical testing. Allele origin: germline.

Labcorp Genetics (formerly Invitae), Labcorp
Classification: Uncertain significance. Last evaluated: 2019-09-21. Review status: criteria provided, single submitter. Criteria: Invitae Variant Classification Sherloc (09022015). Collection method: clinical testing. Allele origin: germline.
Comment: In summary, the available evidence is currently insufficient to determine the role of this variant in disease. Therefore, it has been classified as a Variant of Uncertain Significance. Algorithms developed to predict the effect of missense changes on protein structure and function (SIFT, PolyPhen-2, Align-GVGD) all suggest that this variant is likely to be disruptive, but these predictions have not been confirmed by published functional studies and their clinical significance is uncertain. This variant is not present in population databases (ExAC no frequency). This sequence change replaces serine with glycine at codon 958 of the IMPG2 protein (p.Ser958Gly). The serine residue is highly conserved and there is a small physicochemical difference between serine and glycine.

Department of Genetics, Fundacion Jimenez Diaz University Hospital
Classification: Likely pathogenic for Vitelliform macular dystrophy 2. Review status: criteria provided, single submitter. Criteria: ACMG Guidelines, 2015. Collection method: clinical testing. Allele origin: germline. Affected: yes. Observed: 2 variant alleles.
Comment: Variant not found in gnomAD, missense variant in a gene that has a low rate of benign missense variation, predicted deleterious by in-silico pathogenicity predictors, and cosegregates with the disease in the affected father. (ACMG: PM2 Moderate; PP1 Supporting; PP2 Supporting; PP3 Supporting)

NM_016247.4(IMPG2):c.2872A>G (p.Ser958Gly)

Gene: IMPG2 (interphotoreceptor matrix proteoglycan 2; minus strand). Cytogenetic location: 3q12.3.
Variant type: single nucleotide variant.
Coding change: c.2872A>G on transcript NM_016247.4 (MANE Select); coding-DNA position 2872, A replaced by G.
Protein change: p.Ser958Gly; replaces serine 958 with glycine.
Molecular consequence: missense variant.
Genome position (GRCh38, 1-based): chr3:101,242,838, T>C on the plus strand (A>G on the coding strand, the complement: IMPG2 is on the minus strand). VCF-style: chr3-101242838-T-C. GRCh37 (hg19) VCF-style: chr3-100961682-T-C.
Other names: short protein forms S958G.
Identifiers: ClinVar variation 960540 (VCV000960540.13), dbSNP rs1706425401, ClinGen allele CA353853813.